The following is an entry in ClinVar:

NM_138713.4(NFAT5):c.903_904delinsAT (p.Ile302Leu)

Gene: NFAT5 (nuclear factor of activated T cells 5; plus strand). Cytogenetic location: 16q22.1.
Variant type: Indel.
Coding change: c.903_904delinsAT on transcript NM_138713.4 (MANE Select); coding-DNA positions 903 to 904, GA replaced by AT.
Protein change: p.Ile302Leu; replaces isoleucine 302 with leucine.
Molecular consequence: missense variant.
Genome position (GRCh38, 1-based): chr16:69,653,326-69,653,327, GA replaced by AT. VCF-style: chr16-69653326-GA-AT. GRCh37 (hg19) VCF-style: chr16-69687229-GA-AT.
Other names: c.903_904delinsAT, p.Ile302Leu (NM_001113178.3); c.231_232delinsAT, p.Ile78Leu (NM_001367709.1); c.849_850delinsAT, p.Ile284Leu (NM_006599.4); c.621_622delinsAT, p.Ile208Leu (NM_138714.4, NM_173214.3, NM_173215.3); short protein forms I302L, I284L, I78L, I208L.
Identifiers: ClinVar variation 1396099 (VCV001396099.8), dbSNP rs2151632884, ClinGen allele CA2573152625.
Genomic context (GRCh38, chr16:69,653,326, plus strand): 5'-AAAGAAGAGCCCTATGTTGTGTGGACAATATCCTGTTAAAAGTGAGGGAAAGGAGCTGAA[GA>AT]TAGTTGTACAACCTGAGACACAGCACCGAGCTCGGTACCTGACTGAGGGCAGCCGTGGCT-3'
Protein context (NP_619727.2, residues 292-312): PVKSEGKELK[Ile302Leu]VVQPETQHRA

ClinVar aggregate classification (germline): Uncertain significance (1 of 4 stars; one submission).

Conditions:
Immunodeficiency. Identifiers: MedGen C0021051, MONDO:0021094, HP:0002721.

Submission:

Labcorp Genetics (formerly Invitae), Labcorp
Classification: Uncertain significance for Immunodeficiency. Last evaluated: 2025-05-13. Review status: criteria provided, single submitter. Criteria: Invitae Variant Classification Sherloc (09022015). Collection method: clinical testing. Allele origin: germline.
Comment: This sequence change replaces isoleucine, which is neutral and non-polar, with leucine, which is neutral and non-polar, at codon 208 of the NFAT5 protein (p.Ile208Leu). Information on the frequency of this variant in the gnomAD database is not available, as this variant may be reported differently in the database. This variant has not been reported in the literature in individuals affected with NFAT5-related conditions. ClinVar contains an entry for this variant (Variation ID: 1396099). Experimental studies and prediction algorithms are not available or were not evaluated, and the functional significance of this variant is currently unknown. In summary, the available evidence is currently insufficient to determine the role of this variant in disease. Therefore, it has been classified as a Variant of Uncertain Significance.